The following is an entry in ClinVar:

ClinVar aggregate classification (germline): Likely benign. Review status: criteria provided, multiple submitters, no conflicts (2 of 4 stars). 3 submissions from 3 submitters: Likely benign (2). 1 of the submissions does not count toward it. Last evaluated 2025-10-03.

Conditions:
NANS-related disorder. Also called: NANS-related condition.

Allele frequency attached by ClinVar (database versions not stated): gnomAD exomes 0.00001 and 0.00003; ExAC 0.00003; gnomAD 0.00004 and 0.00006; TOPMed 0.00005; ESP Exome Variant Server 0.00008; 1000 Genomes Project 30x 0.00016; 1000 Genomes Project 0.00020.
gnomAD v4.1: 71 of 1,614,188 alleles (0.0044%); highest among the groups gnomAD compares: Middle Eastern, 0.066%; no homozygotes.

Submissions (3):

Labcorp Genetics (formerly Invitae), Labcorp
Classification: Likely benign. Last evaluated: 2025-10-03. Review status: criteria provided, single submitter. Criteria: Invitae Variant Classification Sherloc (09022015). Collection method: clinical testing. Allele origin: germline.

Breakthrough Genomics
Classification: Likely benign. Review status: criteria provided, single submitter. Criteria: ACMG Guidelines, 2015. Collection method: not provided. Allele origin: germline. Inheritance: Autosomal recessive inheritance. Affected: yes.

PreventionGenetics, part of Exact Sciences
Classification: Likely benign for NANS-related condition. Last evaluated: 2019-03-13. Review status: no assertion criteria provided. Collection method: clinical testing. Allele origin: germline. Not counted in ClinVar's aggregate classification.
Comment: This variant is classified as likely benign based on ACMG/AMP sequence variant interpretation guidelines (Richards et al. 2015 PMID: 25741868, with internal and published modifications).

NM_018946.4(NANS):c.771A>G (p.Gly257=)

Genes: NANS (N-acetylneuraminate synthase; plus strand), TRIM14 (tripartite motif containing 14; minus strand). Cytogenetic location: 9q22.33.
Variant type: single nucleotide variant.
Coding change: c.771A>G on transcript NM_018946.4 (MANE Select); coding-DNA position 771, A replaced by G.
Protein change: p.Gly257=; no amino-acid change (glycine 257 retained).
Molecular consequence: synonymous variant.
Genome position (GRCh38, 1-based): chr9:98,080,983, A>G. VCF-style: chr9-98080983-A-G. GRCh37 (hg19) VCF-style: chr9-100843265-A-G.
Other names: c.771A>G (NM_018946.3).
Identifiers: ClinVar variation 1567730 (VCV001567730.11), dbSNP rs200152488, ClinGen allele CA5150379.